The following is an entry in ClinVar:

ClinVar aggregate classification (germline): Uncertain significance. Review status: criteria provided, multiple submitters, no conflicts (2 of 4 stars). 3 submissions from 3 submitters: Uncertain significance (3). Last evaluated 2025-10-29.

Conditions:
Hypogonadotropic hypogonadism 5 with or without anosmia (KAL5). Also called: HYPOGONADOTROPIC HYPOGONADISM 5 WITH ANOSMIA; HYPOGONADOTROPHIC HYPOGONADISM 5 WITHOUT ANOSMIA; CHD7-Related GnRH Deficiency (Kallmann Syndrome 5). Identifiers: Orphanet 478, MedGen C3552553, MONDO:0012880, OMIM 612370. Disease mechanism: loss of function.
CHARGE syndrome (CHARGE). Also called: Hittner Hirsch Kreh syndrome; Coloboma, heart anomaly, choanal atresia, retardation, genital and ear anomalies; CHARGE association; Hall-Hittner syndrome; CHARGE ASSOCIATION--COLOBOMA, HEART ANOMALY, CHOANAL ATRESIA, RETARDATION, GENITAL AND EAR ANOMALIES. Identifiers: Orphanet 138, MedGen C0265354, MONDO:0008965.
Inborn genetic diseases. Identifiers: MedGen C0950123, MeSH D030342.

Allele frequency attached by ClinVar (database versions not stated): gnomAD exomes 0.00001; TOPMed 0.00001.
gnomAD v4.1: 13 of 1,607,450 alleles (0.00081%); highest among the groups gnomAD compares: Non-Finnish European, 0.00085%; no homozygotes.

Submissions (3):

Ambry Genetics
Classification: Uncertain significance for Inborn genetic diseases. Last evaluated: 2025-10-29. Review status: criteria provided, single submitter. Criteria: Ambry Variant Classification Scheme 2023. Collection method: clinical testing. Allele origin: germline.
Comment: The c.5666G>A (p.G1889D) alteration is located in exon 29 (coding exon 28) of the CHD7 gene. This alteration results from a G to A substitution at nucleotide position 5666, causing the glycine (G) at amino acid position 1889 to be replaced by an aspartic acid (D). Based on data from gnomAD, the A allele has an overall frequency of <0.001% (0/243682) total alleles studied. The highest observed frequency was <0.001% (/) of alleles. Based on insufficient or conflicting evidence, the clinical significance of this alteration remains unclear.

Labcorp Genetics (formerly Invitae), Labcorp
Classification: Uncertain significance for CHARGE syndrome. Last evaluated: 2025-04-03. Review status: criteria provided, single submitter. Criteria: Invitae Variant Classification Sherloc (09022015). Collection method: clinical testing. Allele origin: germline.
Comment: This sequence change replaces glycine, which is neutral and non-polar, with aspartic acid, which is acidic and polar, at codon 1889 of the CHD7 protein (p.Gly1889Asp). This variant is not present in population databases (gnomAD no frequency). This variant has not been reported in the literature in individuals affected with CHD7-related conditions. ClinVar contains an entry for this variant (Variation ID: 1017674). An algorithm developed to predict the effect of missense changes on protein structure and function (PolyPhen-2) suggests that this variant is likely to be tolerated. In summary, the available evidence is currently insufficient to determine the role of this variant in disease. Therefore, it has been classified as a Variant of Uncertain Significance.

Fulgent Genetics
Classification: Uncertain significance for CHD7-related CHARGE syndrome; Hypogonadotropic hypogonadism 5 with or without anosmia. Last evaluated: 2024-01-30. Review status: criteria provided, single submitter. Criteria: ACMG Guidelines, 2015. Collection method: clinical testing. Allele origin: germline.

NM_017780.4(CHD7):c.5666G>A (p.Gly1889Asp)

Gene: CHD7 (chromodomain helicase DNA binding protein 7; plus strand). Cytogenetic location: 8q12.2.
Variant type: single nucleotide variant.
Coding change: c.5666G>A on transcript NM_017780.4 (MANE Select); coding-DNA position 5666, G replaced by A.
Protein change: p.Gly1889Asp; replaces glycine 1889 with aspartic acid.
Molecular consequence: missense variant. On other transcripts: intron variant (1).
Genome position (GRCh38, 1-based): chr8:60,852,019, G>A. VCF-style: chr8-60852019-G-A. GRCh37 (hg19) VCF-style: chr8-61764578-G-A.
Other names: c.1717-10210G>A (NM_001316690.1); c.5666G>A (NM_017780.3); short protein forms G1889D.
Identifiers: ClinVar variation 1017674 (VCV001017674.8), dbSNP rs1040512288, ClinGen allele CA177353731.